The following is an entry in ClinVar:

NM_004656.4(BAP1):c.437+9G>C

Gene: BAP1 (BRCA1 associated deubiquitinase 1; minus strand). Cytogenetic location: 3p21.1.
Variant type: single nucleotide variant.
Coding change: c.437+9G>C on transcript NM_004656.4 (MANE Select); 9 bases into the intron after coding-DNA position 437, G replaced by C.
Molecular consequence: intron variant.
Genome position (GRCh38, 1-based): chr3:52,407,390, C>G on the plus strand (G>C on the coding strand, the complement: BAP1 is on the minus strand). VCF-style: chr3-52407390-C-G. GRCh37 (hg19) VCF-style: chr3-52441406-C-G.
Identifiers: ClinVar variation 417271 (VCV000417271.14), dbSNP rs917909103, ClinGen allele CA16611447.

ClinVar aggregate classification (germline): Likely benign. Review status: criteria provided, multiple submitters, no conflicts (2 of 4 stars). 3 submissions from 3 submitters: Likely benign (3). Last evaluated 2025-11-19.

Conditions:
Hereditary cancer-predisposing syndrome. Also called: Tumor predisposition; Neoplastic Syndromes, Hereditary; Hereditary neoplastic syndrome; Hereditary Cancer Syndrome. Identifiers: Orphanet 140162, MedGen C0027672, MeSH D009386, MONDO:0015356.
BAP1-related tumor predisposition syndrome (TPDS1). Also called: BAP1 tumor predisposition syndrome; Tumor susceptibility linked to germline BAP1 mutations; COMMON Syndrome; TUMOR PREDISPOSITION SYNDROME 1. Identifiers: Orphanet 289539, MedGen C3280492, MONDO:0013692, OMIM 614327.

Allele frequency attached by ClinVar (database versions not stated): gnomAD exomes 0.00001.

Submissions (3):

Labcorp Genetics (formerly Invitae), Labcorp
Classification: Likely benign for BAP1-related tumor predisposition syndrome. Last evaluated: 2025-11-19. Review status: criteria provided, single submitter. Criteria: Invitae Variant Classification Sherloc (09022015). Collection method: clinical testing. Allele origin: germline.

Myriad Genetics, Inc.
Classification: Likely benign for BAP1-related tumor predisposition syndrome. Last evaluated: 2024-07-12. Review status: criteria provided, single submitter. Criteria: Myriad Autosomal Dominant, Autosomal Recessive and X-Linked Classification Criteria (2023). Collection method: clinical testing. Allele origin: unknown.
Comment: This variant is considered likely benign. This variant is intronic and is not expected to impact mRNA splicing.

Color Diagnostics, LLC DBA Color Health
Classification: Likely benign for Hereditary cancer-predisposing syndrome. Last evaluated: 2017-10-23. Review status: criteria provided, single submitter. Criteria: ACMG Guidelines, 2015. Collection method: clinical testing. Allele origin: germline.